The following is an entry in ClinVar:

NM_000520.6(HEXA):c.509G>A (p.Arg170Gln)

Gene: HEXA (hexosaminidase subunit alpha; minus strand). Cytogenetic location: 15q23.
Variant type: single nucleotide variant.
Coding change: c.509G>A on transcript NM_000520.6 (MANE Select); coding-DNA position 509, G replaced by A.
Protein change: p.Arg170Gln; replaces arginine 170 with glutamine.
Molecular consequence: missense variant. On other transcripts: non-coding transcript variant (1).
Genome position (GRCh38, 1-based): chr15:72,353,129, C>T on the plus strand (G>A on the coding strand, the complement: HEXA is on the minus strand). VCF-style: chr15-72353129-C-T. GRCh37 (hg19) VCF-style: chr15-72645470-C-T.
Other names: c.542G>A, p.Arg181Gln (NM_001318825.2); c.509G>A (NM_000520.5); short protein forms R170Q, R181Q.
Identifiers: ClinVar variation 3900 (VCV000003900.187), dbSNP rs121907957, ClinGen allele CA252909.

ClinVar aggregate classification (germline): Pathogenic. Review status: criteria provided, multiple submitters, no conflicts (2 of 4 stars). 7 submissions from 7 submitters: Pathogenic (4). 3 of the submissions do not count toward it. Last evaluated 2025-08-25.

Conditions:
Tay-Sachs disease (TSD). Also called: HEXA DEFICIENCY; Hexosaminidase A Deficiency; HEXA Disorders; GM2 gangliosidosis, type 1; Hexosaminidase alpha-subunit deficiency (variant B); Sphingolipidosis, Tay-Sachs. Identifiers: Orphanet 845, MedGen C0039373, MONDO:0010100, OMIM 272800.

Allele frequency attached by ClinVar (database versions not stated): gnomAD exomes below 0.00001; gnomAD 0.00001; TOPMed below 0.00001.
gnomAD v4.1: 6 of 1,613,570 alleles (0.00037%); highest among the groups gnomAD compares: Non-Finnish European, 0.00051%; no homozygotes.

Submissions (8):

Natera, Inc.
Classification: Pathogenic for Tay-Sachs disease. Last evaluated: 2025-08-25. Review status: criteria provided, single submitter. Criteria: Natera Variant Classification Schema (03/2026). Collection method: clinical testing. Allele origin: germline.
Comment: The c.509G>A variant in HEXA is a missense variant predicted to cause substitution of arginine to glutamine at amino acid 170. This variant is rare in the general population with a frequency below the threshold expected for the associated phenotype(s). This variant has been observed in one or more individuals affected with the associated recessive disease, as either homozygous or compound heterozygous with a second variant (PMID: 16088929, 31388111, 33547378). Computational prediction algorithms indicate this variant is likely to affect gene or protein function. Given the available evidence, this variant is classified as Pathogenic.

Labcorp Genetics (formerly Invitae), Labcorp
Classification: Pathogenic for Tay-Sachs disease. Last evaluated: 2025-07-22. Review status: criteria provided, single submitter. Criteria: Invitae Variant Classification Sherloc (09022015). Collection method: clinical testing. Allele origin: germline.
Comment: This sequence change replaces arginine, which is basic and polar, with glutamine, which is neutral and polar, at codon 170 of the HEXA protein (p.Arg170Gln). RNA analysis indicates that this missense change induces altered splicing and likely results in the loss of 17 amino acid residue(s), but is expected to preserve the integrity of the reading-frame. This variant is present in population databases (rs121907957, gnomAD 0.0008%). This missense change has been observed in individuals with Tay-Sachs disease (PMID: 8490625, 16088929, 24518553). ClinVar contains an entry for this variant (Variation ID: 3900). Invitae Evidence Modeling of protein sequence and biophysical properties (such as structural, functional, and spatial information, amino acid conservation, physicochemical variation, residue mobility, and thermodynamic stability) indicates that this missense variant is expected to disrupt HEXA protein function with a positive predictive value of 95%. Experimental studies have shown that this missense change affects HEXA function (PMID: 2141777). Studies have shown that this missense change results in the activation of a cryptic splice site in exon 5 (PMID: 8490625). For these reasons, this variant has been classified as Pathogenic.

Women's Health and Genetics/Laboratory Corporation of America, LabCorp
Classification: Pathogenic for Tay-Sachs disease. Last evaluated: 2018-10-08. Review status: criteria provided, single submitter. Criteria: LabCorp Variant Classification Summary - May 2015. Collection method: clinical testing. Allele origin: germline.
Comment: Variant summary: HEXA c.509G>A (p.Arg170Gln) results in a conservative amino acid change located in the Glycoside hydrolase family 20, catalytic domain of the encoded protein sequence. Four of five in-silico tools predict a damaging effect of the variant on protein function. The variant was absent in 119570 control chromosomes. c.509G>A has been reported in the literature in individuals affected with Tay-Sachs Disease. In addition, a variant at the same codon has been associated with Tay-Sachs (p.R170W), suggesting the arginine is critical for protein function. Overall, these data indicate that the variant is likely to be associated with disease. At least one publication reports experimental evidence evaluating enzyme activity in vitro, which showed the variant results in <10% of normal activity (Nakano_1990). Three clinical diagnostic laboratories have submitted clinical-significance assessments for this variant to ClinVar after 2014 without evidence for independent evaluation and all classified the variant as pathogenic/likely pathogenic. Based on the evidence outlined above, the variant was classified as pathogenic.

GeneDx
Classification: Pathogenic. Last evaluated: 2016-09-21. Review status: criteria provided, single submitter. Criteria: GeneDx Variant Classification (06012015). Collection method: clinical testing. Allele origin: germline. Affected: yes.
Comment: The R170Q variant in the HEXA gene has previously been reported in association with Tay-Sachs disease (Nakano et al., 1990). Functional analysis of R170Q found that it is associated with significantly reduced enzyme activity and stability compared to wild-type (Nakano et al., 1990). The R170Q variant is a semi-conservative amino acid substitution, which may impact secondary protein structure as these residues differ in some properties. This substitution occurs at a position that is conserved across species, and in silico analysis predicts this variant is probably damaging to the protein structure/function. Furthermore, another missense variant at the same position (R170W) has also been reported in the Human Gene Mutation Database in association with Tay-Sachs disease (Stenson et al., 2014). Therefore we interpret R170Q to be a pathogenic variant.

Counsyl
Classification: Likely pathogenic for Tay-Sachs disease. Last evaluated: 2017-06-08. Review status: no assertion criteria provided. Collection method: clinical testing. Allele origin: unknown. Not counted in ClinVar's aggregate classification.

Foundation for Research in Genetics and Endocrinology, FRIGE's Institute of Human Genetics
Classification: Pathogenic for Tay-Sachs disease. Last evaluated: 2015-08-15. Review status: no assertion criteria provided. Collection method: research. Allele origin: germline. Inheritance: Autosomal recessive inheritance. Affected: yes. Observed: 1 heterozygote. Not counted in ClinVar's aggregate classification.

OMIM
Classification: Pathogenic for TAY-SACHS DISEASE. Last evaluated: 1990-05-01. Review status: no assertion criteria provided. Collection method: literature only. Allele origin: germline. Not counted in ClinVar's aggregate classification.

Dr. Peter K. Rogan Lab, Western University
No classification provided (evidence only). Condition: Glioma susceptibility 1. Review status: no classification provided. Collection method: in vitro. Allele origin: not applicable. Functional consequence: retained intron. Not counted in ClinVar's aggregate classification.

Literature cited by the submitters: PubMed 16088929 (cited by 4 submitters); PubMed 31388111 (cited by Natera, Inc.); PubMed 33547378 (cited by Natera, Inc.); PubMed 8490625 (cited by Labcorp Genetics (formerly Invitae), Labcorp and Counsyl); PubMed 24518553 (cited by Labcorp Genetics (formerly Invitae), Labcorp and Counsyl); PubMed 2141777 (cited by 5 submitters); PubMed 1322637 (cited by Women's Health and Genetics/Laboratory Corporation of America, LabCorp); PubMed 9338583 (cited by Women's Health and Genetics/Laboratory Corporation of America, LabCorp and Counsyl); PubMed 10083731 (cited by Women's Health and Genetics/Laboratory Corporation of America, LabCorp); PubMed 7858168 (cited by Women's Health and Genetics/Laboratory Corporation of America, LabCorp).